The following is an entry in ClinVar:

ClinVar aggregate classification (germline): Uncertain significance (1 of 4 stars; one submission).

Conditions:
Cardiovascular phenotype. Identifiers: MedGen CN230736.

Allele frequency attached by ClinVar (database versions not stated): gnomAD exomes 0.00001; ExAC 0.00002; TOPMed 0.00002; gnomAD 0.00003; ESP Exome Variant Server 0.00008; 1000 Genomes Project 30x 0.00016; 1000 Genomes Project 0.00020.
gnomAD v4.1: 16 of 1,613,656 alleles (0.00099%); highest among the groups gnomAD compares: African/African-American, 0.0093%; no homozygotes.

Submission:

Ambry Genetics
Classification: Uncertain significance for Cardiovascular phenotype. Last evaluated: 2019-03-22. Review status: criteria provided, single submitter. Criteria: Ambry Variant Classification Scheme 2023. Collection method: clinical testing. Allele origin: germline.
Comment: The p.E24410K variant (also known as c.73228G>A), located in coding exon 184 of the TTN gene, results from a G to A substitution at nucleotide position 73228. The glutamic acid at codon 24410 is replaced by lysine, an amino acid with similar properties. This amino acid position is highly conserved in available vertebrate species. In addition, this alteration is predicted to be tolerated by in silico analysis. Since supporting evidence is limited at this time, the clinical significance of this alteration remains unclear.

NM_001267550.2(TTN):c.100423G>A (p.Glu33475Lys)

Genes: TTN (titin; minus strand), TTN-AS1 (TTN antisense RNA 1; plus strand). Cytogenetic location: 2q31.2.
Variant type: single nucleotide variant.
Coding change: c.100423G>A on transcript NM_001267550.2 (MANE Select); coding-DNA position 100423, G replaced by A.
Protein change: p.Glu33475Lys; replaces glutamic acid 33475 with lysine.
Molecular consequence: missense variant.
Genome position (GRCh38, 1-based): chr2:178,536,324, C>T on the plus strand (G>A on the coding strand, the complement: TTN is on the minus strand). VCF-style: chr2-178536324-C-T. GRCh37 (hg19) VCF-style: chr2-179401051-C-T.
Other names: c.95500G>A, p.Glu31834Lys (NM_001256850.1); c.73228G>A, p.Glu24410Lys (NM_003319.4); c.92719G>A, p.Glu30907Lys (NM_133378.4); c.73603G>A, p.Glu24535Lys (NM_133432.3); c.73804G>A, p.Glu24602Lys (NM_133437.4); short protein forms E24410K, E31834K, E24535K, E24602K, E30907K, E33475K.
Identifiers: ClinVar variation 1758323 (VCV001758323.2), dbSNP rs377287413, ClinGen allele CA1986031.